The following is an entry in ClinVar:

ClinVar aggregate classification (germline): Uncertain significance. Review status: criteria provided, multiple submitters, no conflicts (2 of 4 stars). 2 submissions from 2 submitters: Uncertain significance (2). Last evaluated 2025-08-29.

Conditions:
Hereditary cancer-predisposing syndrome. Also called: Neoplastic Syndromes, Hereditary; Tumor predisposition; Hereditary Cancer Syndrome; Hereditary neoplastic syndrome. Identifiers: Orphanet 140162, MedGen C0027672, MeSH D009386, MONDO:0015356.

Submissions (2):

Ambry Genetics
Classification: Uncertain significance for Hereditary cancer-predisposing syndrome. Last evaluated: 2025-08-29. Review status: criteria provided, single submitter. Criteria: Ambry Variant Classification Scheme 2023. Collection method: clinical testing. Allele origin: germline.
Comment: The p.I641T variant (also known as c.1922T>C), located in coding exon 12 of the BRIP1 gene, results from a T to C substitution at nucleotide position 1922. The isoleucine at codon 641 is replaced by threonine, an amino acid with similar properties. This amino acid position is highly conserved in available vertebrate species. In addition, this alteration is predicted to be deleterious by in silico analysis. Since supporting evidence is limited at this time, the clinical significance of this alteration remains unclear.

Quest Diagnostics Nichols Institute San Juan Capistrano
Classification: Uncertain significance. Last evaluated: 2018-12-04. Review status: criteria provided, single submitter. Criteria: Quest Diagnostics criteria. Collection method: clinical testing. Allele origin: germline.

NM_032043.3(BRIP1):c.1922T>C (p.Ile641Thr)

Gene: BRIP1 (BRCA1 interacting DNA helicase 1; minus strand). Cytogenetic location: 17q23.2.
Variant type: single nucleotide variant.
Coding change: c.1922T>C on transcript NM_032043.3 (MANE Select); coding-DNA position 1922, T replaced by C.
Protein change: p.Ile641Thr; replaces isoleucine 641 with threonine.
Molecular consequence: missense variant.
Genome position (GRCh38, 1-based): chr17:61,780,274, A>G on the plus strand (T>C on the coding strand, the complement: BRIP1 is on the minus strand). VCF-style: chr17-61780274-A-G. GRCh37 (hg19) VCF-style: chr17-59857635-A-G.
Other names: short protein forms I641T.
Identifiers: ClinVar variation 483188 (VCV000483188.9), dbSNP rs1555602126, ClinGen allele CA400479194.
Genomic context (GRCh38, chr17:61,780,274, plus strand): 5'-GAAGTAGAAACACTGAAGGCCTTCCAAAAAAAAAAACAACAACTAACCTGTGAATTTTTA[A>G]TGATATGATTAGCCTCCAGCTGGATAGTAAATGTAACACCAAGTTCTGACGAAAAGGATT-3'
Protein context (NP_114432.2, residues 631-651): FTIQLEANHI[Ile641Thr]KNSQVWVGTI